The following is an entry in ClinVar:

NM_003504.5(CDC45):c.542+127G>T

Gene: CDC45 (cell division cycle 45; plus strand). Cytogenetic location: 22q11.21.
Variant type: single nucleotide variant.
Coding change: c.542+127G>T on transcript NM_003504.5 (MANE Select); 127 bases into the intron after coding-DNA position 542, G replaced by T.
Molecular consequence: intron variant. On other transcripts: missense variant (1).
Genome position (GRCh38, 1-based): chr22:19,494,509, G>T. VCF-style: chr22-19494509-G-T. GRCh37 (hg19) VCF-style: chr22-19482032-G-T.
Other names: c.545G>T, p.Gly182Val (NM_001178010.2); c.506+127G>T (NM_001369291.1); c.404+127G>T (NM_001178011.2); short protein forms G182V.
Identifiers: ClinVar variation 3620435 (VCV003620435.2).

ClinVar aggregate classification (germline): Uncertain significance (1 of 4 stars; one submission).

gnomAD v4.1: 1 of 1,552,610 alleles (0.000064%); highest among the groups gnomAD compares: Non-Finnish European, 0.000087%; no homozygotes.

Submission:

Labcorp Genetics (formerly Invitae), Labcorp
Classification: Uncertain significance. Last evaluated: 2024-10-30. Review status: criteria provided, single submitter. Criteria: Invitae Variant Classification Sherloc (09022015). Collection method: clinical testing. Allele origin: germline.
Comment: This sequence change replaces glycine, which is neutral and non-polar, with valine, which is neutral and non-polar, at codon 182 of the CDC45 protein (p.Gly182Val). This variant is not present in population databases (gnomAD no frequency). This variant has not been reported in the literature in individuals affected with CDC45-related conditions. An algorithm developed to predict the effect of missense changes on protein structure and function outputs the following: PolyPhen-2: "Benign". The valine amino acid residue is found in multiple mammalian species, which suggests that this missense change does not adversely affect protein function. In summary, the available evidence is currently insufficient to determine the role of this variant in disease. Therefore, it has been classified as a Variant of Uncertain Significance.